The following is an entry in ClinVar:

NM_000535.7(PMS2):c.1046A>C (p.Lys349Thr)

Gene: PMS2 (PMS1 homolog 2, mismatch repair system component; minus strand). Cytogenetic location: 7p22.1.
Variant type: single nucleotide variant.
Coding change: c.1046A>C on transcript NM_000535.7 (MANE Select); coding-DNA position 1046, A replaced by C.
Protein change: p.Lys349Thr; replaces lysine 349 with threonine.
Molecular consequence: missense variant. On other transcripts: non-coding transcript variant (1), intron variant (2).
Genome position (GRCh38, 1-based): chr7:5,989,898, T>G on the plus strand (A>C on the coding strand, the complement: PMS2 is on the minus strand). VCF-style: chr7-5989898-T-G. GRCh37 (hg19) VCF-style: chr7-6029529-T-G.
Other names: c.641A>C, p.Lys214Thr (NM_001322003.2, NM_001322004.2, NM_001322005.2 and 1 more transcripts); c.728A>C, p.Lys243Thr (NM_001322007.2, NM_001322008.2); c.113A>C, p.Lys38Thr (NM_001322011.2, NM_001322012.2); c.473A>C, p.Lys158Thr (NM_001322013.2); c.1046A>C, p.Lys349Thr (NM_001322014.2); c.737A>C, p.Lys246Thr (NM_001322015.2); c.583+2075A>C (NM_001322010.2); c.988+2075A>C (NM_001322006.2); short protein forms K349T, K246T, K158T, K243T, K38T, K214T.
Identifiers: ClinVar variation 566023 (VCV000566023.9), dbSNP rs1562644757, ClinGen allele CA366742917.

ClinVar aggregate classification (germline): Uncertain significance. Review status: criteria provided, multiple submitters, no conflicts (2 of 4 stars). 2 submissions from 2 submitters: Uncertain significance (2). Last evaluated 2025-12-16.

Conditions:
Hereditary nonpolyposis colorectal neoplasms. Identifiers: MedGen C0009405, MeSH D003123.
Hereditary cancer-predisposing syndrome. Also called: Hereditary neoplastic syndrome; Neoplastic Syndromes, Hereditary; Tumor predisposition; Hereditary Cancer Syndrome. Identifiers: Orphanet 140162, MedGen C0027672, MeSH D009386, MONDO:0015356.

Submissions (2):

Labcorp Genetics (formerly Invitae), Labcorp
Classification: Uncertain significance for Hereditary nonpolyposis colorectal neoplasms. Last evaluated: 2025-12-16. Review status: criteria provided, single submitter. Criteria: Invitae Variant Classification Sherloc (09022015). Collection method: clinical testing. Allele origin: germline.
Comment: This sequence change replaces lysine, which is basic and polar, with threonine, which is neutral and polar, at codon 349 of the PMS2 protein (p.Lys349Thr). This variant is not present in population databases (gnomAD no frequency). This variant has not been reported in the literature in individuals affected with PMS2-related conditions. ClinVar contains an entry for this variant (Variation ID: 566023). Invitae Evidence Modeling incorporating data from in vitro experimental studies (internal data) indicates that this missense variant is not expected to disrupt PMS2 function with a negative predictive value of 95%. In summary, the available evidence is currently insufficient to determine the role of this variant in disease. Therefore, it has been classified as a Variant of Uncertain Significance.

Ambry Genetics
Classification: Uncertain significance for Hereditary cancer-predisposing syndrome. Last evaluated: 2025-08-11. Review status: criteria provided, single submitter. Criteria: Ambry Variant Classification Scheme 2023. Collection method: clinical testing. Allele origin: germline.
Comment: The p.K349T variant (also known as c.1046A>C), located in coding exon 10 of the PMS2 gene, results from an A to C substitution at nucleotide position 1046. The lysine at codon 349 is replaced by threonine, an amino acid with similar properties. This amino acid position is conserved. In addition, the in silico prediction for this alteration is inconclusive. Based on the available evidence, the clinical significance of this variant remains unclear.